The following is an entry in ClinVar:

NM_001136271.3(NKX2-6):c.62G>T (p.Arg21Leu)

Gene: NKX2-6 (NK2 homeobox 6; minus strand). Cytogenetic location: 8p21.2.
Variant type: single nucleotide variant.
Coding change: c.62G>T on transcript NM_001136271.3 (MANE Select); coding-DNA position 62, G replaced by T.
Protein change: p.Arg21Leu; replaces arginine 21 with leucine.
Molecular consequence: missense variant.
Genome position (GRCh38, 1-based): chr8:23,706,537, C>A on the plus strand (G>T on the coding strand, the complement: NKX2-6 is on the minus strand). VCF-style: chr8-23706537-C-A. GRCh37 (hg19) VCF-style: chr8-23564050-C-A.
Other names: short protein forms R21L.
Identifiers: ClinVar variation 3665335 (VCV003665335.2).

ClinVar aggregate classification (germline): Uncertain significance (1 of 4 stars; one submission).

Conditions:
Conotruncal heart malformations (CTHM). Also called: Conotruncal heart malformations, variable. Identifiers: Orphanet 2445, Orphanet 3384, Orphanet 3426, MedGen C1857586, MONDO:0016581, OMIM 217095.

gnomAD v4.1: 35 of 1,536,764 alleles (0.0023%); highest among the groups gnomAD compares: Non-Finnish European, 0.0029%; no homozygotes.

Submission:

Labcorp Genetics (formerly Invitae), Labcorp
Classification: Uncertain significance for Conotruncal heart malformations. Last evaluated: 2024-02-22. Review status: criteria provided, single submitter. Criteria: Invitae Variant Classification Sherloc (09022015). Collection method: clinical testing. Allele origin: germline.
Comment: This sequence change replaces arginine, which is basic and polar, with leucine, which is neutral and non-polar, at codon 21 of the NKX2-6 protein (p.Arg21Leu). This variant is present in population databases (no rsID available, gnomAD 0.01%). This variant has not been reported in the literature in individuals affected with NKX2-6-related conditions. Algorithms developed to predict the effect of missense changes on protein structure and function output the following: SIFT: "Not Available"; PolyPhen-2: "Benign"; Align-GVGD: "Not Available". The leucine amino acid residue is found in multiple mammalian species, which suggests that this missense change does not adversely affect protein function. In summary, the available evidence is currently insufficient to determine the role of this variant in disease. Therefore, it has been classified as a Variant of Uncertain Significance.